The following continues an entry in ClinVar:

NM_000070.3(CAPN3):c.1468C>T (p.Arg490Trp)

Gene: CAPN3. ClinVar aggregate classification (germline): Pathogenic. Pathogenic (1).

Submissions 9 to 26 of 26:

Women's Health and Genetics/Laboratory Corporation of America, LabCorp
Classification: Pathogenic for Autosomal recessive limb-girdle muscular dystrophy. Last evaluated: 2024-01-16. Review status: criteria provided, single submitter. Criteria: LabCorp Variant Classification Summary - May 2015. Collection method: clinical testing. Allele origin: germline. Not counted in ClinVar's aggregate classification.
Comment: Variant summary: CAPN3 c.1468C>T (p.Arg490Trp) results in a non-conservative amino acid change located in the Peptidase C2, calpain, large subunit, domain III (IPR022682) of the encoded protein sequence. Five of five in-silico tools predict a damaging effect of the variant on protein function. The variant allele was found at a frequency of 8.4e-05 in 251162 control chromosomes (gnomAD). This frequency is not significantly higher than estimated for a pathogenic variant in CAPN3 causing Limb-Girdle Muscular Dystrophy, Autosomal Recessive (8.4e-05 vs 0.0032), allowing no conclusion about variant significance. c.1468C>T has been reported in the literature in multiple individuals affected with Limb-Girdle Muscular Dystrophy, Autosomal Recessive (dePaula_2002, Fanin_2003). These data indicate that the variant is very likely to be associated with disease. At least one publication reports this variant affected the normal autocatalytic function (Fanin_2003). The following publications have been ascertained in the context of this evaluation (PMID: 14578192, 12461690). ClinVar contains an entry for this variant (Variation ID: 166790). Based on the evidence outlined above, the variant was classified as pathogenic.

Department of Pathology and Laboratory Medicine, Sinai Health System
Classification: Pathogenic for Muscular dystrophy, limb-girdle, autosomal dominant 4; Autosomal recessive limb-girdle muscular dystrophy type 2A. Last evaluated: 2023-08-01. Review status: criteria provided, single submitter. Criteria: ACMG Guidelines, 2015. Collection method: research. Allele origin: germline. Not counted in ClinVar's aggregate classification.

Institute for Medical Genetics and Human Genetics, Charité - Universitätsmedizin Berlin
Classification: Likely pathogenic for Autosomal recessive limb-girdle muscular dystrophy type 2A. Last evaluated: 2022-09-22. Review status: criteria provided, single submitter. Criteria: ACMG Guidelines, 2015. Collection method: clinical testing. Allele origin: germline. Inheritance: Autosomal recessive inheritance. Affected: yes. Observed: 1 compound heterozygote. Not counted in ClinVar's aggregate classification.

CeGaT Center for Human Genetics Tuebingen
Classification: Pathogenic. Last evaluated: 2022-03-01. Review status: criteria provided, single submitter. Criteria: CeGaT Center For Human Genetics Tuebingen Variant Classification Criteria Version 2. Collection method: clinical testing. Allele origin: germline. Affected: yes. Observed: 2 variant alleles. Not counted in ClinVar's aggregate classification.
Comment: CAPN3: PM3:Strong, PM2, PM5, PP1, PP3

Fulgent Genetics
Classification: Pathogenic for Autosomal recessive limb-girdle muscular dystrophy type 2A; Muscular dystrophy, limb-girdle, autosomal dominant 4. Last evaluated: 2022-02-09. Review status: criteria provided, single submitter. Criteria: ACMG Guidelines, 2015. Collection method: clinical testing. Allele origin: unknown. Not counted in ClinVar's aggregate classification.

Dasa
Classification: Pathogenic for CAPN3-related disorder. Last evaluated: 2022-01-05. Review status: criteria provided, single submitter. Criteria: ACMG Guidelines, 2015. Collection method: clinical testing. Allele origin: germline. Affected: yes. Observed: 1 variant allele. Not counted in ClinVar's aggregate classification.
Comment: The c.1468C>T;p.(Arg490Trp) missense variant has been observed in affected individual(s) and ClinVar contains an entry for this variant (Clinvar ID: 166790; PMID: 25135358; 26632398; 27055500; 30028523) - PS4.The variant is present at low allele frequencies population databases (rs141656719 – gnomAD 0.001315%; ABraOM 0.000427 frequency) - PM2_supporting. The p.(Arg490Trp) was detected in trans with a pathogenic variant (PMID: 25135358; 26632398; 27055500; 30028523) - PM3_strong. Pathogenic missense variant in this residue have been reported Clinvar ID: 17622) - PM5. The variant co-segregated with disease in multiple affected family members (PMID: 26632398) - PP1. Multiple lines of computational evidence support a deleterious effect on the gene or gene product - PP3. In summary, the currently available evidence indicates that the variant is pathogenic.

MGZ Medical Genetics Center
Classification: Pathogenic for Autosomal recessive limb-girdle muscular dystrophy type 2A. Last evaluated: 2021-09-10. Review status: criteria provided, single submitter. Criteria: ACMG Guidelines, 2015. Collection method: clinical testing. Allele origin: germline. Affected: yes. Observed: 1 variant allele. Not counted in ClinVar's aggregate classification.
Comment: ACMG criteria applied: PS1, PM1, PM3, PM2_SUP, PP1, PP2, PP3

GeneDx
Classification: Pathogenic. Last evaluated: 2021-06-24. Review status: criteria provided, single submitter. Criteria: GeneDx Variant Classification Process June 2021. Collection method: clinical testing. Allele origin: germline. Affected: yes. Not counted in ClinVar's aggregate classification.
Comment: Published functional studies demonstrate a damaging effect as R490W impairs the autocatalytic activity of the protein, slowing protein degradation as compared to controls (Fanin et al., 2003); In silico analysis supports that this missense variant has a deleterious effect on protein structure/function; This variant is associated with the following publications: (PMID: 20635405, 16971480, 15351423, 15221789, 12461690, 9150160, 31862442, 19226146, 17157502, 17994539, 16372320, 7720071, 21204801, 22995991, 9642272, 16627476, 26632398, 27500519, 30028523, 30919934, 18055493, 27535533, 14578192, 31589614, 25214167, 32528171)

Athena Diagnostics
Classification: Pathogenic. Last evaluated: 2020-06-01. Review status: criteria provided, single submitter. Criteria: Athena Diagnostics Criteria. Collection method: clinical testing. Allele origin: unknown. Not counted in ClinVar's aggregate classification.
Comment: The frequency of this variant in the general population is consistent with pathogenicity. Conflicting predictions of the effect on the protein. One other pathogenic or likely pathogenic variant affects the same amino acid. This variant is statistically more frequent in affected individuals than in the general population and/or healthy controls. In multiple individuals, this variant has been seen with a single recessive pathogenic variant in the same gene, suggesting this variant may also be pathogenic. Assessment of experimental evidence suggests this variant results in abnormal protein function.

SIB Swiss Institute of Bioinformatics
Classification: Pathogenic for Autosomal recessive limb-girdle muscular dystrophy type 2A. Last evaluated: 2018-05-31. Review status: criteria provided, single submitter. Criteria: ACMG Guidelines, 2015. Collection method: curation. Allele origin: unknown. Not counted in ClinVar's aggregate classification.
Comment: This variant is interpreted as a Pathogenic, for Muscular dystrophy, limb-girdle, type 2A, in Autosomal Recessive manner. The following ACMG Tag(s) were applied: PM2 => Absent from controls (or at extremely low frequency if recessive) in Exome Sequencing Project, 1000 Genomes Project, or Exome Aggregation Consortium. PM3 => For recessive disorders, detected in trans with a pathogenic variant (PMID:17157502) (PMID:15221789). PS3 => Well-established functional studies show a deleterious effect (PMID:14578192,9642272). PM5 => Novel missense change at an amino acid residue where a different missense change determined to be pathogenic has been seen before. PP3 => Multiple lines of computational evidence support a deleterious effect on the gene or gene product.

Eurofins Ntd Llc (ga)
Classification: Pathogenic. Last evaluated: 2016-08-08. Review status: criteria provided, single submitter. Criteria: EGL Classification Definitions. Collection method: clinical testing. Allele origin: germline. Observed: 29 variant alleles, 27 heterozygotes, 2 homozygotes. Not counted in ClinVar's aggregate classification.

Laboratory for Molecular Medicine, Mass General Brigham Personalized Medicine
Classification: Pathogenic for Limb-girdle muscular dystrophy, type 2A. Last evaluated: 2014-07-08. Review status: criteria provided, single submitter. Criteria: LMM Criteria. Collection method: clinical testing. Allele origin: germline. Inheritance: Autosomal recessive inheritance. Observed: 1 variant allele. Study: CSER-MedSeq. Not counted in ClinVar's aggregate classification.
Comment: The p.Arg490Trp variant in CAPN3 has been reported in over 35 individuals with calpainopathy (LOVD Leiden Muscular Dystrophy database) in the homozygous and compound heterozygous state. Although this variant has been identified in 0.023% (1/4406) of African American chromosomes by the NHLBI Exome Sequencing Project (dbSNP rs141656719), its frequency is not high enough to rule out a pathogenic role. In summary, this variant meets our criteria to be classified as pathogenic based upon common observation in diseased individuals in the compound heterozygous state.

Baylor Genetics
Classification: Pathogenic for Autosomal recessive limb-girdle muscular dystrophy type 2A. Review status: criteria provided, single submitter. Criteria: ACMG Guidelines, 2015. Collection method: clinical testing. Allele origin: germline. Not counted in ClinVar's aggregate classification.

Counsyl
Classification: Likely pathogenic for Autosomal recessive limb-girdle muscular dystrophy type 2A. Last evaluated: 2016-12-28. Review status: no assertion criteria provided. Collection method: clinical testing. Allele origin: unknown. Not counted in ClinVar's aggregate classification.

Genome Diagnostics Laboratory, Amsterdam University Medical Center
Classification: Pathogenic. Review status: no assertion criteria provided. Collection method: clinical testing. Allele origin: germline. Affected: yes. Study: VKGL Data-share Consensus. Not counted in ClinVar's aggregate classification.

Joint Genome Diagnostic Labs from Nijmegen and Maastricht, Radboudumc and MUMC+
Classification: Pathogenic. Review status: no assertion criteria provided. Collection method: clinical testing. Allele origin: germline. Affected: yes. Study: VKGL Data-share Consensus. Not counted in ClinVar's aggregate classification.

Laboratory of Diagnostic Genome Analysis, Leiden University Medical Center (LUMC)
Classification: Pathogenic. Review status: no assertion criteria provided. Collection method: clinical testing. Allele origin: germline. Affected: yes. Study: VKGL Data-share Consensus. Not counted in ClinVar's aggregate classification.

Fulgent Genetics
Classification: Pathogenic for Autosomal recessive limb-girdle muscular dystrophy type 2A; Muscular dystrophy, limb-girdle, autosomal dominant 4. Last evaluated: 2018-10-31. Review status: flagged submission. Criteria: ACMG Guidelines, 2015. Collection method: clinical testing. Allele origin: unknown. Not counted in ClinVar's aggregate classification.
ClinVar note: Reason: This record appears to be redundant with a more recent record from the same submitter.
ClinVar note: Notes: SCV000893374 appears to be redundant with SCV000611184.

Literature cited by the submitters: PubMed 9266733 (cited by 3billion); PubMed 7720071 (cited by 3 submitters); PubMed 14578192 (cited by 5 submitters); PubMed 15221789 (cited by 3 submitters); PubMed 16372320 (cited by Labcorp Genetics (formerly Invitae), Labcorp and Athena Diagnostics); PubMed 16971480 (cited by Labcorp Genetics (formerly Invitae), Labcorp and Athena Diagnostics); PubMed 17157502 (cited by 3 submitters); PubMed 17994539 (cited by Labcorp Genetics (formerly Invitae), Labcorp and Athena Diagnostics); PubMed 18055493 (cited by 3 submitters); PubMed 18563459 (cited by Labcorp Genetics (formerly Invitae), Labcorp and Athena Diagnostics); PubMed 18854869 (cited by Labcorp Genetics (formerly Invitae), Labcorp and Athena Diagnostics); PubMed 19015733 (cited by Labcorp Genetics (formerly Invitae), Labcorp and Athena Diagnostics); PubMed 21204801 (cited by Labcorp Genetics (formerly Invitae), Labcorp and Athena Diagnostics); PubMed 25135358 (cited by 3 submitters); PubMed 25252031 (cited by Labcorp Genetics (formerly Invitae), Labcorp and Athena Diagnostics); PubMed 26632398 (cited by 3 submitters); PubMed 27055500 (cited by 3 submitters); PubMed 19226146 (cited by 3 submitters); PubMed 21984748 (cited by Labcorp Genetics (formerly Invitae), Labcorp); PubMed 22378277 (cited by Labcorp Genetics (formerly Invitae), Labcorp); PubMed 12461690 (cited by 3 submitters); PubMed 19364062 (cited by Natera, Inc.); PubMed 30028523 (cited by Dasa and Athena Diagnostics); PubMed 10330340 (cited by Athena Diagnostics); PubMed 9150160 (cited by Athena Diagnostics); PubMed 9642272 (cited by SIB Swiss Institute of Bioinformatics and Counsyl).